The following is an entry in ClinVar:

NM_001039706.3(CFAP69):c.120+8C>T

Gene: CFAP69 (cilia and flagella associated protein 69; plus strand). Cytogenetic location: 7q21.13.
Variant type: single nucleotide variant.
Coding change: c.120+8C>T on transcript NM_001039706.3 (MANE Select); 8 bases into the intron after coding-DNA position 120, C replaced by T.
Molecular consequence: intron variant.
Genome position (GRCh38, 1-based): chr7:90,245,552, C>T. VCF-style: chr7-90245552-C-T. GRCh37 (hg19) VCF-style: chr7-89874866-C-T.
Other names: c.120+8C>T (NM_001363438.1, NM_001160138.2).
Identifiers: ClinVar variation 4885004 (VCV004885004.2).

ClinVar aggregate classification (germline): Uncertain significance (1 of 4 stars; one submission).

gnomAD v4.1: 1 of 1,481,964 alleles (0.000067%); no homozygotes.

Submission:

Dasa
Classification: Uncertain significance. Last evaluated: 2025-08-28. Review status: criteria provided, single submitter. Criteria: DASA Assertion Criteria. Collection method: clinical testing. Allele origin: germline.
Comment: NM_001039706.3(CFAP69):c.120+8C>T is a splice-region variant. This variant is rare in population databases. Computational prediction algorithms are consistent with a deleterious effect. The currently available literature and clinical evidence are not sufficient to establish a definitive association between this variant and the reported condition. Therefore, this variant is classified as a variant of uncertain significance.